The following is an entry in ClinVar:

ClinVar aggregate classification (germline): Uncertain significance. Review status: criteria provided, multiple submitters, no conflicts (2 of 4 stars). 2 submissions from 2 submitters: Uncertain significance (2). Last evaluated 2023-06-15.

Conditions:
Familial cold autoinflammatory syndrome 4 (FCAS4). Identifiers: Orphanet 47045, Orphanet 576349, MedGen C4015276, MONDO:0014498, OMIM 616115.
Periodic fever-infantile enterocolitis-autoinflammatory syndrome. Also called: Autoinflammation with infantile enterocolitis. Identifiers: Orphanet 436166, MedGen C4015067, MONDO:0014472, OMIM 616050.

Submissions (2):

Blueprint Genetics
Classification: Uncertain significance. Last evaluated: 2023-06-15. Review status: criteria provided, single submitter. Criteria: ACMG Guidelines, 2015. Collection method: clinical testing. Allele origin: germline.

Labcorp Genetics (formerly Invitae), Labcorp
Classification: Uncertain significance for Periodic fever-infantile enterocolitis-autoinflammatory syndrome; Familial cold autoinflammatory syndrome 4. Last evaluated: 2022-02-05. Review status: criteria provided, single submitter. Criteria: Invitae Variant Classification Sherloc (09022015). Collection method: clinical testing. Allele origin: germline.
Comment: This sequence change creates a premature translational stop signal (p.Lys626Argfs*47) in the NLRC4 gene. It is expected to result in an absent or disrupted protein product. However, the current clinical and genetic evidence is not sufficient to establish whether loss-of-function variants in NLRC4 cause disease. This variant is present in population databases (no rsID available, gnomAD 0.0009%). This variant has not been reported in the literature in individuals affected with NLRC4-related conditions. In summary, the available evidence is currently insufficient to determine the role of this variant in disease. Therefore, it has been classified as a Variant of Uncertain Significance. ClinVar contains an entry for this variant (Variation ID: 1061558).

NM_001199138.2(NLRC4):c.1877del (p.Lys626fs)

Gene: NLRC4 (NLR family CARD domain containing 4; minus strand). Cytogenetic location: 2p22.3.
Variant type: Deletion.
Coding change: c.1877del on transcript NM_001199138.2 (MANE Select); coding-DNA position 1877, one base deleted (A; older notation c.1877delA).
Protein change: p.Lys626fs; shifts the reading frame from lysine 626.
Molecular consequence: frameshift variant. On other transcripts: intron variant (1).
Genome position (GRCh38, 1-based): chr2:32,249,987, T deleted on the plus strand (A on the coding strand, the reverse complement: NLRC4 is on the minus strand); the first of 4 consecutive T bases (chr2:32,249,987-32,249,990); deleting any one gives the same sequence. VCF-style (leftmost placement, unchanged base first): chr2-32249986-CT-C. GRCh37 (hg19) VCF-style: chr2-32475055-CT-C.
Other names: c.1874delA, p.Lys626Argfs (NM_001199139.2, NM_021209.5); c.262+2432del (NM_001302504.1); short protein forms K626fs.
Identifiers: ClinVar variation 1061558 (VCV001061558.8), dbSNP rs1359892249, ClinGen allele CA531767604.